The following is an entry in ClinVar:

NM_015272.5(RPGRIP1L):c.3174A>G (p.Ala1058=)

Gene: RPGRIP1L (RPGRIP1 like; minus strand). Cytogenetic location: 16q12.2.
Variant type: single nucleotide variant.
Coding change: c.3174A>G on transcript NM_015272.5 (MANE Select); coding-DNA position 3174, A replaced by G.
Protein change: p.Ala1058=; no amino-acid change (alanine 1058 retained).
Molecular consequence: synonymous variant.
Genome position (GRCh38, 1-based): chr16:53,637,741, T>C on the plus strand (A>G on the coding strand, the complement: RPGRIP1L is on the minus strand). VCF-style: chr16-53637741-T-C. GRCh37 (hg19) VCF-style: chr16-53671653-T-C.
Other names: c.3072A>G, p.Ala1024= (NM_001127897.4, NM_001330538.2); c.3174A>G, p.Ala1058= (NM_001308334.3); c.3174A>G (NM_015272.4).
Identifiers: ClinVar variation 1094524 (VCV001094524.10), dbSNP rs1965928165, ClinGen allele CA495538725.

ClinVar aggregate classification (germline): Likely benign. Review status: criteria provided, multiple submitters, no conflicts (2 of 4 stars). 2 submissions from 2 submitters: Likely benign (2). Last evaluated 2026-07-15.

Conditions:
RPGRIP1L-related disorder. Also called: RPGRIP1L-related disorders; RPGRIP1L-related condition. Identifiers: MedGen CN239416.
Meckel-Gruber syndrome. Also called: Dysencephalia splachnocystica; DYSENCEPHALIA SPLANCHNOCYSTICA; GRUBER SYNDROME. Identifiers: Orphanet 564, MedGen C0265215, MONDO:0018921.
Joubert syndrome. Also called: JOUBERT-BOLTSHAUSER SYNDROME; Familial aplasia of the vermis. Identifiers: Orphanet 475, MedGen C5979921, MONDO:0018772.

Allele frequency attached by ClinVar (database versions not stated): gnomAD exomes below 0.00001; gnomAD 0.00001.
gnomAD v4.1: 2 of 1,612,238 alleles (0.00012%); highest among the groups gnomAD compares: South Asian, 0.0011%; no homozygotes.

Submissions (2):

PreventionGenetics, part of Exact Sciences
Classification: Likely benign for RPGRIP1L-related condition. Last evaluated: 2026-07-15. Review status: criteria provided, single submitter. Criteria: ACMG Guidelines, 2015. Collection method: clinical testing. Allele origin: germline.
Comment: This variant is classified as likely benign based on ACMG/AMP sequence variant interpretation guidelines (Richards et al. 2015 PMID: 25741868, with internal and published modifications).

Labcorp Genetics (formerly Invitae), Labcorp
Classification: Likely benign for Joubert syndrome; Meckel-Gruber syndrome. Last evaluated: 2019-10-17. Review status: criteria provided, single submitter. Criteria: Invitae Variant Classification Sherloc (09022015). Collection method: clinical testing. Allele origin: germline.